The following is an entry in ClinVar:

ClinVar aggregate classification (germline): Uncertain significance (1 of 4 stars; one submission).

Submission:

Ambry Genetics
Classification: Uncertain significance. Last evaluated: 2022-10-03. Review status: criteria provided, single submitter. Criteria: Ambry Variant Classification Scheme 2023. Collection method: clinical testing. Allele origin: germline.
Comment: The p.R75L variant (also known as c.224G>T), located in coding exon 4 of the RAD54L gene, results from a G to T substitution at nucleotide position 224. The arginine at codon 75 is replaced by leucine, an amino acid with dissimilar properties. This amino acid position is conserved. In addition, the in silico prediction for this alteration is inconclusive. Since supporting evidence is limited at this time, the clinical significance of this alteration remains unclear.

NM_003579.4(RAD54L):c.224G>T (p.Arg75Leu)

Gene: RAD54L (RAD54 like; plus strand). Cytogenetic location: 1p34.1.
Variant type: single nucleotide variant.
Coding change: c.224G>T on transcript NM_003579.4 (MANE Select); coding-DNA position 224, G replaced by T.
Protein change: p.Arg75Leu; replaces arginine 75 with leucine.
Molecular consequence: missense variant. On other transcripts: 5 prime UTR variant (1).
Genome position (GRCh38, 1-based): chr1:46,258,699, G>T. VCF-style: chr1-46258699-G-T. GRCh37 (hg19) VCF-style: chr1-46724371-G-T.
Other names: c.224G>T, p.Arg75Leu (NM_001142548.2); c.-317G>T (NM_001370766.1); short protein forms R75L.
Identifiers: ClinVar variation 1788406 (VCV001788406.2), dbSNP rs745591449, ClinGen allele CA340180442.
Genomic context (GRCh38, chr1:46,258,699, plus strand): 5'-TAACATCTCCAGTCAGTCCTGAATCCTTGTTTCTCCTTTCTTTTTAGGAAGCATTTATTC[G>T]AAGCATTTTGTCAAAGCCTTTCAAAGTCCCCATTCCAAATTATCAAGGTAAAATGGAGGT-3'
Protein context (NP_003570.2, residues 65-85): LDSSQHEAFI[Arg75Leu]SILSKPFKVP